The following is an entry in ClinVar:

NM_000540.3(RYR1):c.742G>A (p.Gly248Arg)

Gene: RYR1 (ryanodine receptor 1; plus strand). Cytogenetic location: 19q13.2.
Variant type: single nucleotide variant.
Coding change: c.742G>A on transcript NM_000540.3 (MANE Select); coding-DNA position 742, G replaced by A.
Protein change: p.Gly248Arg; replaces glycine 248 with arginine.
Molecular consequence: missense variant.
Genome position (GRCh38, 1-based): chr19:38,446,710, G>A. VCF-style: chr19-38446710-G-A. GRCh37 (hg19) VCF-style: chr19-38937350-G-A.
Other names: NM_000540.3(RYR1):c.742G>A; c.742G>A, p.Gly248Arg (NM_001042723.2); short protein forms G248R.
Identifiers: ClinVar variation 12965 (VCV000012965.20), dbSNP rs1801086, ClinGen allele CA024797.

ClinVar aggregate classification (germline): Likely pathogenic. Review status: reviewed by expert panel (3 of 4 stars). 9 submissions from 9 submitters: Likely pathogenic (1). 8 of the submissions do not count toward it. Last evaluated 2025-08-01.

Conditions:
Central core myopathy (CMYO1A). Also called: CONGENITAL MYOPATHY 1A, AUTOSOMAL DOMINANT, WITH SUSCEPTIBILITY TO MALIGNANT HYPERTHERMIA; Central core disease; Myopathy, central fibrillar. Identifiers: Orphanet 597, MedGen C5830701, MONDO:0007294, OMIM 117000.
King Denborough syndrome (KDS). Identifiers: MedGen C1840365, MONDO:0020485, OMIM 619542.
Congenital multicore myopathy with external ophthalmoplegia (CMYO1B). Also called: Minicore myopathy with external ophthalmoplegia; Congenital myopathy 1B, autosomal recessive; Minicore myopathy; MULTICORE MYOPATHY; MULTIMINICORE DISEASE WITH EXTERNAL OPHTHALMOPLEGIA. Identifiers: Orphanet 598, Orphanet 98905, MedGen C1850674, MONDO:0009712, OMIM 255320, HP:0003789.
Malignant hyperthermia, susceptibility to, 1 (MHS1). Also called: RYR1-Related Malignant Hyperthermia Susceptibility; Malignant hyperthermia suceptibility 1; Anesthesia related hyperthermia; Malignant hyperpyrexia; Fulminating hyperpyrexia; Pharmacogenic myopathy. Identifiers: Orphanet 423, MedGen C2930980, MONDO:0007783, OMIM 145600.
RYR1-related disorder. Also called: RYR1-related disorders; RYR1-related condition. Identifiers: MedGen CN239331.
Malignant hyperthermia of anesthesia. Also called: Anesthesic-triggered malignant hyperthermia. Identifiers: Orphanet 423, MedGen C0024591, MONDO:0018493, HP:0034733.

gnomAD v4.1: 5 of 1,613,962 alleles (0.00031%); highest among the groups gnomAD compares: South Asian, 0.0011%; no homozygotes.

Submissions (9):

ClinGen Malignant Hyperthermia Susceptibility Variant Curation Expert Panel, ClinGen
Classification: Likely pathogenic for Malignant hyperthermia, susceptibility to, 1. Last evaluated: 2025-08-01. Review status: reviewed by expert panel. Criteria: ClinGen MHS ACMG Specifications V2. Collection method: curation. Allele origin: germline. Inheritance: Autosomal dominant inheritance.
Comment: This pathogenicity assessment is relevant only for malignant hyperthermia susceptibility (MHS) inherited in an autosomal dominant pattern. Variants in RYR1 can also cause other myopathies inherited in an autosomal dominant pattern or in an autosomal recessive pattern. Some of these disorders may predispose individuals to malignant hyperthermia. RYR1 variants may also contribute to a malignant hyperthermia reaction in combination with other genetic and non-genetic factors and the clinician needs to consider such factors in making management decisions. This sequence variant predicts a substitution of Glycine with Arginine at codon 248 of the RYR1 protein, p.(Gly248Arg), c.742G>A. This variant is not present in a large population database (gnomAD) at the time this variant was interpreted. This variant has been reported in 10 unrelated individuals who have a personal or family history of a malignant hyperthermia reaction, 8 of these individuals had a positive in vitro contracture test (IVCT) or caffeine halothane contracture test (CHCT) result (if the proband was unavailable for testing, a positive diagnostic test result in a mutation-positive relative was counted), PS4 (PMID:30236257, PMID:23558838, PMID:11575529, PMID:1354642). This variant has been identified in 1 individual with negative IVCT/CHCT results, BS2_Moderate. Functional studies in HEK293 cells show an increased sensitivity to RYR1 agonists, PS3_Moderate, (PMID:9334205, PMID:26115329). This variant resides in a region of RYR1 considered to be a hotspot for pathogenic variants that contribute to MHS, PM1 (PMID: 21118704). This variant segregates with MHS in three individuals, PP1 (PMID:1354642, PMID:19454545). A REVEL score >0.85 (0.889) supports a pathogenic status for this variant, PP3_Moderate. Based on using Bayes to combine criteria this variant is assessed as Likely Pathogenic, (PMID: 29300386). Criteria implemented: PS3_Moderate, PS4, PM1, PP1, PP3_Moderate, BS2_Moderate.

Blueprint Genetics
Classification: Pathogenic for RYR1-related disorders. Last evaluated: 2024-08-01. Review status: criteria provided, single submitter. Criteria: ACMG Guidelines, 2015. Collection method: clinical testing. Allele origin: germline. Affected: yes. Observed: 2 variant alleles. Not counted in ClinVar's aggregate classification.

Labcorp Genetics (formerly Invitae), Labcorp
Classification: Pathogenic for RYR1-related disorder. Last evaluated: 2024-01-02. Review status: criteria provided, single submitter. Criteria: Invitae Variant Classification Sherloc (09022015). Collection method: clinical testing. Allele origin: germline. Not counted in ClinVar's aggregate classification.
Comment: This sequence change replaces glycine, which is neutral and non-polar, with arginine, which is basic and polar, at codon 248 of the RYR1 protein (p.Gly248Arg). This variant is not present in population databases (gnomAD no frequency). This missense change has been observed in individuals with malignant hyperthermia susceptibility (PMID: 1354642, 11575529, 15448513, 18564801, 19648156, 23558838). ClinVar contains an entry for this variant (Variation ID: 12965). Advanced modeling of protein sequence and biophysical properties (such as structural, functional, and spatial information, amino acid conservation, physicochemical variation, residue mobility, and thermodynamic stability) has been performed at Invitae for this missense variant, however the output from this modeling did not meet the statistical confidence thresholds required to predict the impact of this variant on RYR1 protein function. Experimental studies have shown that this missense change affects RYR1 function (PMID: 9334205, 9873004, 27857962). For these reasons, this variant has been classified as Pathogenic.

Institute of Human Genetics Munich, TUM University Hospital
Classification: Pathogenic for Malignant hyperthermia, susceptibility to, 1. Last evaluated: 2020-11-09. Review status: criteria provided, single submitter. Criteria: Classification criteria August 2017. Collection method: clinical testing. Allele origin: germline. Inheritance: Autosomal dominant inheritance. Affected: yes. Observed: 1 variant allele. Not counted in ClinVar's aggregate classification.

Laboratory for Molecular Medicine, Mass General Brigham Personalized Medicine
Classification: Likely pathogenic for Malignant hyperthermia of anesthesia. Last evaluated: 2020-06-11. Review status: criteria provided, single submitter. Criteria: ACMG Guidelines, 2015. Collection method: clinical testing. Allele origin: germline. Not counted in ClinVar's aggregate classification.
Comment: Two different single nucleotide variants (c.742G>C and c.742G>A) resulting in the same missense change, p.Gly248Arg, have been reported in at least 14 heterozygous individuals with malignant hyperthermia susceptibility with 9 segregations in affected relatives (Brandom 2013, Broman 2015, Broman 2009, Abolkhair 2011, Carpenter 2009, Robinson 2006, Gillard 1992, Gillies 2008, Miller 2018, Sei 2004). This variant was absent from large population studies. In one study, 3 nonsegregations (genotype negative, phenotype positive) were observed in one family; though, limited details on the affected relatives were provided (Miller 2018) and in vitro contracture testing sometimes results in false positives. This variant is reported in ClinVar by the PharmGKB expert panel as a known malignant hyperthermia variant with evidence level 1A (Variation ID 12965). One in vitro functional study suggested abnormal protein function (Sato 2010). In vitro studies investigating a nearby variant, Gly249Arg, found caffeine and halothane sensitivity of intracellular Ca2+ release in one study, and similar resting cytoplasmic Ca2+ concentration in another study (Tong 1997, 1999). Computational prediction tools and conservation analysis suggest an impact to the protein. In summary, while there is some conflicting evidence in the reported nonsegregations, there is significant evidence to support that this variant is likely pathogenic for autosomal dominant malignant hyperthermia susceptibility. ACMG/AMP criteria applied: PS4_Moderate, PP1_Strong, PM2, PS3_Supporting, PP3, BS4_Supporting.

PreventionGenetics, part of Exact Sciences
Classification: Pathogenic. Last evaluated: 2015-10-23. Review status: criteria provided, single submitter. Criteria: ACMG Guidelines, 2015. Collection method: clinical testing. Allele origin: germline. Not counted in ClinVar's aggregate classification.

Juno Genomics, Hangzhou Juno Genomics, Inc
Classification: Pathogenic for Central core myopathy; Congenital multicore myopathy with external ophthalmoplegia; Malignant hyperthermia, susceptibility to, 1; King Denborough syndrome. Review status: criteria provided, single submitter. Criteria: ACMG Guidelines, 2015. Collection method: clinical testing. Allele origin: germline. Not counted in ClinVar's aggregate classification.
Comment: Well-established in vitro or in vivo functional studies supportive of a damaging effect on the gene or gene product.;The prevalence of the variant in affected individuals is significantly increased compared to the prevalence in controls.;Well-established in vitro or in vivo functional studies supportive of a damaging effect on the gene or gene product.;Co-segregation with disease in multiple affected family members.;Located in a mutational hot spot and/or critical and well-established functional domain without benign variation.

OMIM
Classification: risk factor for MALIGNANT HYPERTHERMIA, SUSCEPTIBILITY TO, 1. Last evaluated: 1992-08-01. Review status: no assertion criteria provided. Collection method: literature only. Allele origin: germline. Not counted in ClinVar's aggregate classification.

RYR1 database
No classification provided. Review status: no classification provided. Collection method: not provided. Allele origin: unknown. Not counted in ClinVar's aggregate classification.

Literature cited by the submitters: PubMed 1354642 (cited by 3 submitters); PubMed 11575529 (cited by Labcorp Genetics (formerly Invitae), Labcorp); PubMed 15448513 (cited by Labcorp Genetics (formerly Invitae), Labcorp and Laboratory for Molecular Medicine, Mass General Brigham Personalized Medicine); PubMed 18564801 (cited by Labcorp Genetics (formerly Invitae), Labcorp and Laboratory for Molecular Medicine, Mass General Brigham Personalized Medicine); PubMed 19648156 (cited by Labcorp Genetics (formerly Invitae), Labcorp and Laboratory for Molecular Medicine, Mass General Brigham Personalized Medicine); PubMed 23558838 (cited by Labcorp Genetics (formerly Invitae), Labcorp and Laboratory for Molecular Medicine, Mass General Brigham Personalized Medicine); PubMed 9334205 (cited by 3 submitters); PubMed 9873004 (cited by Labcorp Genetics (formerly Invitae), Labcorp and Laboratory for Molecular Medicine, Mass General Brigham Personalized Medicine); PubMed 27857962 (cited by Labcorp Genetics (formerly Invitae), Labcorp); PubMed 25989378 (cited by Laboratory for Molecular Medicine, Mass General Brigham Personalized Medicine); PubMed 19346234 (cited by Laboratory for Molecular Medicine, Mass General Brigham Personalized Medicine); PubMed 21804810 (cited by Laboratory for Molecular Medicine, Mass General Brigham Personalized Medicine); PubMed 23422674 (cited by Laboratory for Molecular Medicine, Mass General Brigham Personalized Medicine); PubMed 16917943 (cited by Laboratory for Molecular Medicine, Mass General Brigham Personalized Medicine); PubMed 12124989 (cited by Laboratory for Molecular Medicine, Mass General Brigham Personalized Medicine); PubMed 30236257 (cited by Laboratory for Molecular Medicine, Mass General Brigham Personalized Medicine); PubMed 20461000 (cited by Laboratory for Molecular Medicine, Mass General Brigham Personalized Medicine).